The following is an entry in ClinVar:

ClinVar aggregate classification (germline): Uncertain significance. Review status: criteria provided, multiple submitters, no conflicts (2 of 4 stars). 2 submissions from 2 submitters: Uncertain significance (2). Last evaluated 2023-11-20.

Conditions:
Retinitis pigmentosa 45 (RP45). Identifiers: Orphanet 791, MedGen C3151066, MONDO:0013413, OMIM 613767.

Allele frequency attached by ClinVar (database versions not stated): gnomAD 0.00001 and 0.00002; gnomAD exomes 0.00001 and 0.00002; TOPMed 0.00002; ExAC 0.00003.
gnomAD v4.1: 21 of 1,614,180 alleles (0.0013%); highest among the groups gnomAD compares: East Asian, 0.0045%; no homozygotes.

Submissions (2):

Labcorp Genetics (formerly Invitae), Labcorp
Classification: Uncertain significance. Last evaluated: 2023-11-20. Review status: criteria provided, single submitter. Criteria: Invitae Variant Classification Sherloc (09022015). Collection method: clinical testing. Allele origin: germline.
Comment: This sequence change replaces arginine, which is basic and polar, with tryptophan, which is neutral and slightly polar, at codon 968 of the CNGB1 protein (p.Arg968Trp). This variant is present in population databases (rs780651730, gnomAD 0.006%). This variant has not been reported in the literature in individuals affected with CNGB1-related conditions. ClinVar contains an entry for this variant (Variation ID: 1375228). Advanced modeling of protein sequence and biophysical properties (such as structural, functional, and spatial information, amino acid conservation, physicochemical variation, residue mobility, and thermodynamic stability) performed at Invitae indicates that this missense variant is expected to disrupt CNGB1 protein function with a positive predictive value of 80%. In summary, the available evidence is currently insufficient to determine the role of this variant in disease. Therefore, it has been classified as a Variant of Uncertain Significance.

Fulgent Genetics
Classification: Uncertain significance for Retinitis pigmentosa 45. Last evaluated: 2021-07-21. Review status: criteria provided, single submitter. Criteria: ACMG Guidelines, 2015. Collection method: clinical testing. Allele origin: unknown.

NM_001297.5(CNGB1):c.2902C>T (p.Arg968Trp)

Gene: CNGB1 (cyclic nucleotide gated channel subunit beta 1; minus strand). Cytogenetic location: 16q21.
Variant type: single nucleotide variant.
Coding change: c.2902C>T on transcript NM_001297.5 (MANE Select); coding-DNA position 2902, C replaced by T.
Protein change: p.Arg968Trp; replaces arginine 968 with tryptophan.
Molecular consequence: missense variant.
Genome position (GRCh38, 1-based): chr16:57,901,426, G>A on the plus strand (C>T on the coding strand, the complement: CNGB1 is on the minus strand). VCF-style: chr16-57901426-G-A. GRCh37 (hg19) VCF-style: chr16-57935330-G-A.
Other names: c.2884C>T, p.Arg962Trp (NM_001286130.2); short protein forms R968W, R962W.
Identifiers: ClinVar variation 1375228 (VCV001375228.5), dbSNP rs780651730, ClinGen allele CA8082763.